The following is an entry in ClinVar:

ClinVar aggregate classification (germline): Pathogenic (1 of 4 stars; one submission).

Conditions:
Inborn genetic diseases. Identifiers: MedGen C0950123, MeSH D030342.

Submission:

Ambry Genetics
Classification: Pathogenic for Inborn genetic diseases. Last evaluated: 2024-06-03. Review status: criteria provided, single submitter. Criteria: Ambry Variant Classification Scheme 2023. Collection method: clinical testing. Allele origin: germline.
Comment: The c.27delT (p.F9Lfs*25) alteration, located in exon 1 (coding exon 1) of the SON gene, consists of a deletion of one nucleotide at position 27, causing a translational frameshift with a predicted alternate stop codon after 25 amino acids. This alteration is expected to result in loss of function by premature protein truncation or nonsense-mediated mRNA decay. This variant was not reported in population-based cohorts in the Genome Aggregation Database (gnomAD). Based on the available evidence, this alteration is classified as pathogenic.

NM_138927.4(SON):c.27del (p.Phe9fs)

Gene: SON (SON DNA and RNA binding protein; plus strand). Cytogenetic location: 21q22.11.
Variant type: Deletion.
Coding change: c.27del on transcript NM_138927.4 (MANE Select); coding-DNA position 27, one base deleted (T; older notation c.27delT).
Protein change: p.Phe9fs; shifts the reading frame from phenylalanine 9.
Molecular consequence: frameshift variant. On other transcripts: non-coding transcript variant (1).
Genome position (GRCh38, 1-based): chr21:33,543,119, T deleted; the last of 5 consecutive T bases (chr21:33,543,115-33,543,119); deleting any one gives the same sequence. VCF-style (leftmost placement, unchanged base first): chr21-33543114-AT-A. GRCh37 (hg19) VCF-style: chr21-34915420-AT-A.
Other names: c.27del, p.Phe9fs (NM_001291411.2, NM_001291412.3, NM_032195.3); short protein forms F9fs.
Identifiers: ClinVar variation 3321430 (VCV003321430.1).